The following is an entry in ClinVar:

ClinVar aggregate classification (germline): Likely benign (1 of 4 stars; one submission).

Allele frequency attached by ClinVar (database versions not stated): TOPMed below 0.00001; gnomAD 0.00002; gnomAD exomes 0.00002.
gnomAD v4.1: 36 of 1,612,646 alleles (0.0022%); highest among the groups gnomAD compares: Non-Finnish European, 0.0027%; no homozygotes.

Submission:

CeGaT Center for Human Genetics Tuebingen
Classification: Likely benign. Last evaluated: 2022-07-01. Review status: criteria provided, single submitter. Criteria: CeGaT Center For Human Genetics Tuebingen Variant Classification Criteria Version 2. Collection method: clinical testing. Allele origin: germline. Affected: yes. Observed: 1 variant allele.
Comment: LMF2: BP4, BP7

NM_033200.3(LMF2):c.952C>T (p.Leu318=)

Gene: LMF2 (lipase maturation factor 2; minus strand). Cytogenetic location: 22q13.33.
Variant type: single nucleotide variant.
Coding change: c.952C>T on transcript NM_033200.3 (MANE Select); coding-DNA position 952, C replaced by T.
Protein change: p.Leu318=; no amino-acid change (leucine 318 retained).
Molecular consequence: synonymous variant.
Genome position (GRCh38, 1-based): chr22:50,505,502, G>A on the plus strand (C>T on the coding strand, the complement: LMF2 is on the minus strand). VCF-style: chr22-50505502-G-A. GRCh37 (hg19) VCF-style: chr22-50943931-G-A.
Other names: c.877C>T, p.Leu293= (NM_001363816.2).
Identifiers: ClinVar variation 2653395 (VCV002653395.24), dbSNP rs1215924419, ClinGen allele CA515385983.
Genomic context (GRCh38, chr22:50,505,502, plus strand): 5'-CCAGGCCAAAGTAGTGCACAGTGCCATAGGCCAGAAGCCCGTAGACGGCTAGTTCCAGCA[G>A]CAGCGACAGGGTGGCCAGCAGGGCCTTGGGCCAGGCTGTGGGGCAGGACAGTCATGGGTC-3'
Protein context (NP_149977.2, residues 308-328): PKALLATLSL[Leu318=]LELAVYGLLA